The following is an entry in ClinVar:

ClinVar aggregate classification (germline): Pathogenic (1 of 4 stars; one submission).

Conditions:
Biotin-responsive basal ganglia disease (BTBGD). Also called: Thiamine metabolism dysfunction syndrome 2 (biotin- or thiamine-responsive encephalopathy type 2); Thiamine metabolism dysfunction syndrome type 2; Thiamine Transporter-2 Deficiency; thiamine-responsive encephalopathy; THIAMINE METABOLISM DYSFUNCTION SYNDROME 2 (BIOTIN- AND THIAMINE-RESPONSIVE TYPE). Identifiers: Orphanet 199348, Orphanet 65284, MedGen C1843807, MONDO:0011841, OMIM 607483.

Submission:

Myriad Genetics, Inc.
Classification: Pathogenic for Biotin-responsive basal ganglia disease. Last evaluated: 2026-04-28. Review status: criteria provided, single submitter. Criteria: Myriad Autosomal Dominant, Autosomal Recessive and X-Linked Classification Criteria (2023). Collection method: clinical testing. Allele origin: unknown.
Comment: NM_025243.3(SLC19A3):c.536_537delCT(S179Cfs*45) is expected to be pathogenic in the context of biotin-thiamine-responsive basal ganglia disease. This variant is predicted to lead to an abnormal or absent protein product due to the creation of a premature termination codon in SLC19A3, a gene where loss-of-function variants are known to be pathogenic. Please note: this variant was assessed in the context of healthy population screening.

NM_025243.4(SLC19A3):c.536_537del (p.Ser179fs)

Gene: SLC19A3 (solute carrier family 19 member 3; minus strand). Cytogenetic location: 2q36.3.
Variant type: Microsatellite.
Coding change: c.536_537del on transcript NM_025243.4 (MANE Select); coding-DNA positions 536 to 537, 2 bases deleted (CT; older notation c.536_537delCT).
Protein change: p.Ser179fs; shifts the reading frame from serine 179.
Molecular consequence: frameshift variant.
Genome position (GRCh38, 1-based): chr2:227,699,178-227,699,179, AG deleted on the plus strand (CT on the coding strand, the reverse complement: SLC19A3 is on the minus strand); deleting any 2 consecutive bases within chr2:227,699,178-227,699,181 gives the same sequence; the c. name uses the placement nearest the transcript's 3' end. VCF-style (leftmost placement, unchanged base first): chr2-227699177-CAG-C. GRCh37 (hg19) VCF-style: chr2-228563893-CAG-C.
Other names: c.536_537del, p.Ser179fs (NM_001371411.1, NM_001371412.1); c.524_525del, p.Ser175fs (NM_001371413.1, NM_001371414.1); short protein forms S175fs, S179fs.
Identifiers: ClinVar variation 5015835 (VCV005015835.1).